The following is an entry in ClinVar:

NM_022455.5(NSD1):c.1778T>C (p.Leu593Ser)

Gene: NSD1 (nuclear receptor binding SET domain protein 1; plus strand). Cytogenetic location: 5q35.3.
Variant type: single nucleotide variant.
Coding change: c.1778T>C on transcript NM_022455.5 (MANE Select); coding-DNA position 1778, T replaced by C.
Protein change: p.Leu593Ser; replaces leucine 593 with serine.
Molecular consequence: missense variant.
Genome position (GRCh38, 1-based): chr5:177,210,177, T>C. VCF-style: chr5-177210177-T-C. GRCh37 (hg19) VCF-style: chr5-176637178-T-C.
Other names: c.905T>C, p.Leu302Ser (NM_001365684.2, NM_172349.5, NM_001409306.1 and 3 more transcripts); c.1778T>C, p.Leu593Ser (NM_001409301.1, NM_001409302.1, NM_001409303.1); c.1358T>C, p.Leu453Ser (NM_001409304.1); c.1025T>C, p.Leu342Ser (NM_001409305.1); short protein forms L324S, L593S, L302S, L342S, L453S.
Identifiers: ClinVar variation 1779914 (VCV001779914.5), dbSNP rs1013517409, ClinGen allele CA132829510.

ClinVar aggregate classification (germline): Uncertain significance. Review status: criteria provided, multiple submitters, no conflicts (2 of 4 stars). 3 submissions from 3 submitters: Uncertain significance (3). Last evaluated 2026-02-15.

Conditions:
Inborn genetic diseases. Identifiers: MedGen C0950123, MeSH D030342.

Allele frequency attached by ClinVar (database versions not stated): gnomAD exomes below 0.00001; gnomAD 0.00002; TOPMed 0.00002.
gnomAD v4.1: 8 of 1,603,874 alleles (0.0005%); highest among the groups gnomAD compares: African/African-American, 0.011%; no homozygotes.

Submissions (3):

Dasa
Classification: Uncertain significance. Last evaluated: 2026-02-15. Review status: criteria provided, single submitter. Criteria: DASA Assertion Criteria. Collection method: clinical testing. Allele origin: germline.
Comment: NM_022455.5(NSD1):c.1778T>C (p.Leu593Ser) is a missense variant that results in the substitution of leucine with serine. The variant is present at low frequency in population datasets. Based on the available data, this variant is classified as variant of uncertain significance.

Labcorp Genetics (formerly Invitae), Labcorp
Classification: Uncertain significance. Last evaluated: 2024-07-31. Review status: criteria provided, single submitter. Criteria: Invitae Variant Classification Sherloc (09022015). Collection method: clinical testing. Allele origin: germline.
Comment: This sequence change replaces leucine, which is neutral and non-polar, with serine, which is neutral and polar, at codon 593 of the NSD1 protein (p.Leu593Ser). This variant is not present in population databases (gnomAD no frequency). This variant has not been reported in the literature in individuals affected with NSD1-related conditions. ClinVar contains an entry for this variant (Variation ID: 1779914). Advanced modeling of protein sequence and biophysical properties (such as structural, functional, and spatial information, amino acid conservation, physicochemical variation, residue mobility, and thermodynamic stability) performed at Invitae indicates that this missense variant is not expected to disrupt NSD1 protein function with a negative predictive value of 95%. In summary, the available evidence is currently insufficient to determine the role of this variant in disease. Therefore, it has been classified as a Variant of Uncertain Significance.

Ambry Genetics
Classification: Uncertain significance for Inborn genetic diseases. Last evaluated: 2018-02-08. Review status: criteria provided, single submitter. Criteria: Ambry Variant Classification Scheme 2023. Collection method: clinical testing. Allele origin: germline.
Comment: The p.L593S variant (also known as c.1778T>C), located in coding exon 4 of the NSD1 gene, results from a T to C substitution at nucleotide position 1778. The leucine at codon 593 is replaced by serine, an amino acid with dissimilar properties. This amino acid position is not well conserved in available vertebrate species. In addition, the in silico prediction for this alteration is inconclusive. Since supporting evidence is limited at this time, the clinical significance of this alteration remains unclear.